The following is an entry in ClinVar:

ClinVar aggregate classification (germline): Uncertain significance (1 of 4 stars; one submission).

Conditions:
Cardiovascular phenotype. Identifiers: MedGen CN230736.

Submission:

Ambry Genetics
Classification: Uncertain significance for Cardiovascular phenotype. Last evaluated: 2026-05-24. Review status: criteria provided, single submitter. Criteria: Ambry Variant Classification Scheme 2023. Collection method: clinical testing. Allele origin: germline.
Comment: The p.D472H variant (also known as c.1414G>C), located in coding exon 6 of the SHOC2 gene, results from a G to C substitution at nucleotide position 1414. The aspartic acid at codon 472 is replaced by histidine, an amino acid with similar properties. This amino acid position is conserved. In addition, the in silico prediction for this alteration is inconclusive. Based on the available evidence, the clinical significance of this variant remains unclear.

NM_007373.4(SHOC2):c.1414G>C (p.Asp472His)

Gene: SHOC2 (SHOC2 leucine rich repeat scaffold protein; plus strand). Cytogenetic location: 10q25.2.
Variant type: single nucleotide variant.
Coding change: c.1414G>C on transcript NM_007373.4 (MANE Select); coding-DNA position 1414, G replaced by C.
Protein change: p.Asp472His; replaces aspartic acid 472 with histidine.
Molecular consequence: missense variant. On other transcripts: non-coding transcript variant (1).
Genome position (GRCh38, 1-based): chr10:111,009,377, G>C. VCF-style: chr10-111009377-G-C. GRCh37 (hg19) VCF-style: chr10-112769135-G-C.
Other names: c.1276G>C, p.Asp426His (NM_001269039.3, NM_001441186.1); c.1414G>C, p.Asp472His (NM_001324336.2, NM_001324337.2, NM_001441184.1 and 2 more transcripts); c.745G>C, p.Asp249His (NM_001441188.1); c.331G>C, p.Asp111His (NM_001441189.1, NM_001441190.1, NM_001441191.1); short protein forms D111H, D249H, D426H, D472H.
Identifiers: ClinVar variation 4864500 (VCV004864500.1).